The following is an entry in ClinVar:

ClinVar aggregate classification (germline): Likely pathogenic (1 of 4 stars; one submission).

Conditions:
Meckel-Gruber syndrome. Also called: DYSENCEPHALIA SPLANCHNOCYSTICA; GRUBER SYNDROME; Dysencephalia splachnocystica. Identifiers: Orphanet 564, MedGen C0265215, MONDO:0018921.
Joubert syndrome. Also called: CEREBELLOPARENCHYMAL DISORDER IV; JOUBERT-BOLTSHAUSER SYNDROME; Familial aplasia of the vermis. Identifiers: Orphanet 475, MedGen C5979921, MONDO:0018772.

Allele frequency attached by ClinVar (database versions not stated): gnomAD exomes below 0.00001 and 0.00001; ExAC 0.00002.
gnomAD v4.1: 5 of 1,614,170 alleles (0.00031%); highest among the groups gnomAD compares: Admixed American, 0.0067%; no homozygotes.

Submission:

Labcorp Genetics (formerly Invitae), Labcorp
Classification: Likely pathogenic for Joubert syndrome; Meckel-Gruber syndrome. Last evaluated: 2026-01-19. Review status: criteria provided, single submitter. Criteria: Invitae Variant Classification Sherloc (09022015). Collection method: clinical testing. Allele origin: germline.
Comment: This sequence change affects a donor splice site in intron 9 of the TCTN1 gene. It is expected to disrupt RNA splicing. Variants that disrupt the donor or acceptor splice site typically lead to a loss of protein function (PMID: 16199547), and loss-of-function variants in TCTN1 are known to be pathogenic (PMID: 21725307, 22693042, 27894351). This variant is present in population databases (rs756402483, gnomAD 0.006%). This variant has not been reported in the literature in individuals affected with TCTN1-related conditions. ClinVar contains an entry for this variant (Variation ID: 1486639). Algorithms developed to predict the effect of sequence changes on RNA splicing suggest that this variant may disrupt the consensus splice site. In summary, the currently available evidence indicates that the variant is pathogenic, but additional data are needed to prove that conclusively. Therefore, this variant has been classified as Likely Pathogenic.

Literature cited by the submitters: PubMed 16199547; PubMed 21725307; PubMed 22693042; PubMed 27894351.

NM_001082538.3(TCTN1):c.1104+1G>C

Gene: TCTN1 (tectonic family member 1; plus strand). Cytogenetic location: 12q24.11.
Variant type: single nucleotide variant.
Coding change: c.1104+1G>C on transcript NM_001082538.3 (MANE Select); the canonical splice donor site of the intron after coding-DNA position 1104, G replaced by C.
Molecular consequence: splice donor variant.
Genome position (GRCh38, 1-based): chr12:110,641,150, G>C. VCF-style: chr12-110641150-G-C. GRCh37 (hg19) VCF-style: chr12-111078955-G-C.
Other names: c.936+1G>C (NM_001173975.3); c.924+1G>C (NM_001173976.2); c.570+1G>C (NM_001319681.2); c.1062+1G>C (NM_024549.6); c.1104+1G>C (NM_001082537.3, NM_001319680.2).
Identifiers: ClinVar variation 1486639 (VCV001486639.8), dbSNP rs756402483, ClinGen allele CA6786807.
Genomic context (GRCh38, chr12:110,641,150, plus strand): 5'-GGGACAGTTAGCAGCGTAGTGGTCCCACTGCAGCAAAAGTTTGAAATTCATTTTCTTCAG[G>C]TAAGGTTGATCAATTTGGCATAAGTATTTAATTGCCAAGTTAAAAAGAAATAATGACTTC-3'